The following is an entry in ClinVar:

NM_152755.2(CNPY4):c.18G>A (p.Leu6=)

Genes: CNPY4 (canopy FGF signaling regulator 4; plus strand), TAF6 (TATA-box binding protein associated factor 6; minus strand), LOC129998899 (ATAC-STARR-seq lymphoblastoid active region 26338; plus strand). Cytogenetic location: 7q22.1.
Variant type: single nucleotide variant.
Coding change: c.18G>A on transcript NM_152755.2 (MANE Select); coding-DNA position 18, G replaced by A.
Protein change: p.Leu6=; no amino-acid change (leucine 6 retained).
Molecular consequence: synonymous variant. On other transcripts: 5 prime UTR variant (1).
Genome position (GRCh38, 1-based): chr7:100,119,762, G>A. VCF-style: chr7-100119762-G-A. GRCh37 (hg19) VCF-style: chr7-99717385-G-A.
Other names: c.-16C>T (NM_001190415.2).
Identifiers: ClinVar variation 3778483 (VCV003778483.7).

ClinVar aggregate classification (germline): Likely benign (1 of 4 stars; one submission).

gnomAD v4.1: 15 of 1,614,060 alleles (0.00093%); highest among the groups gnomAD compares: African/African-American, 0.02%; no homozygotes.

Submission:

CeGaT Center for Human Genetics Tuebingen
Classification: Likely benign. Last evaluated: 2025-03-01. Review status: criteria provided, single submitter. Criteria: CeGaT Center For Human Genetics Tuebingen Variant Classification Criteria Version 2. Collection method: clinical testing. Allele origin: germline. Affected: yes. Observed: 1 variant allele.
Comment: CNPY4: BP4, BP7